The following is an entry in ClinVar:

ClinVar aggregate classification (germline): Benign/Likely benign. Review status: criteria provided, multiple submitters, no conflicts (2 of 4 stars). 3 submissions from 3 submitters: Benign (1); Likely benign (2). Last evaluated 2026-01-28.

Conditions:
Multicentric osteolysis nodulosis arthropathy spectrum. Identifiers: Orphanet 3460, Orphanet 371428, MedGen C1850155, MONDO:0018298.

Allele frequency attached by ClinVar (database versions not stated): gnomAD exomes 0.00108 and 0.00310; ExAC 0.00381; gnomAD 0.01137 and 0.01222; ESP Exome Variant Server 0.01200; TOPMed 0.01314; 1000 Genomes Project 0.01478; 1000 Genomes Project 30x 0.01624.
gnomAD v4.1: 3,382 of 1,613,282 alleles (0.21%); highest among the groups gnomAD compares: African/African-American, 4%; 65 homozygotes.

Submissions (3):

Labcorp Genetics (formerly Invitae), Labcorp
Classification: Benign. Last evaluated: 2026-01-28. Review status: criteria provided, single submitter. Criteria: Invitae Variant Classification Sherloc (09022015). Collection method: clinical testing. Allele origin: germline.

Illumina Laboratory Services, Illumina
Classification: Likely benign for Multicentric osteolysis, nodulosis, and arthropathy. Last evaluated: 2017-04-27. Review status: criteria provided, single submitter. Criteria: ICSL Variant Classification Criteria 13 December 2019. Collection method: clinical testing. Allele origin: germline.
Comment: This variant was observed as part of a predisposition screen in an ostensibly healthy population. A literature search was performed for the gene, cDNA change, and amino acid change (where applicable). No publications were found based on this search. Allele frequency data from public databases allowed determination this variant is unlikely to cause disease. Therefore, this variant is classified as likely benign.

Breakthrough Genomics
Classification: Likely benign. Review status: criteria provided, single submitter. Criteria: ACMG Guidelines, 2015. Collection method: not provided. Allele origin: germline. Inheritance: Autosomal recessive inheritance. Affected: yes.

NM_004530.6(MMP2):c.1337-7T>C

Gene: MMP2 (matrix metallopeptidase 2; plus strand). Cytogenetic location: 16q12.2.
Variant type: single nucleotide variant.
Coding change: c.1337-7T>C on transcript NM_004530.6 (MANE Select); 7 bases into the intron before coding-DNA position 1337, T replaced by C.
Molecular consequence: intron variant.
Genome position (GRCh38, 1-based): chr16:55,493,151, T>C. VCF-style: chr16-55493151-T-C. GRCh37 (hg19) VCF-style: chr16-55527063-T-C.
Other names: c.1109-7T>C (NM_001302508.1, NM_001302510.2, NM_001302509.2); c.1187-7T>C (NM_001127891.3).
Identifiers: ClinVar variation 319759 (VCV000319759.17), dbSNP rs17859942, ClinGen allele CA8060411.
Genomic context (GRCh38, chr16:55,493,151, plus strand): 5'-GGGGGCTCACCCTAGTGGGGAGAACCTCTGGAGCTGCAGAGAGTCTAAGGTCAGGTGTTC[T>C]CCCCAGGGGCCTCTCCTGACATTGACCTTGGCACCGGCCCCACCCCCACGCTGGGCCCTG-3'